The following is an entry in ClinVar:

ClinVar aggregate classification (germline): Uncertain significance. Review status: criteria provided, multiple submitters, no conflicts (2 of 4 stars). 2 submissions from 2 submitters: Uncertain significance (2). Last evaluated 2024-09-29.

Conditions:
Cardiovascular phenotype. Identifiers: MedGen CN230736.
Capillary malformation-arteriovenous malformation syndrome. Also called: Capillary malformation-arteriovenous malformation. Identifiers: Orphanet 137667, MedGen C1842180, MONDO:0012016.

Allele frequency attached by ClinVar (database versions not stated): gnomAD exomes below 0.00001.
gnomAD v4.1: 1 of 1,611,926 alleles (0.000062%); no homozygotes.

Submissions (2):

Labcorp Genetics (formerly Invitae), Labcorp
Classification: Uncertain significance for Capillary malformation-arteriovenous malformation syndrome. Last evaluated: 2024-09-29. Review status: criteria provided, single submitter. Criteria: Invitae Variant Classification Sherloc (09022015). Collection method: clinical testing. Allele origin: germline.
Comment: This sequence change replaces methionine, which is neutral and non-polar, with valine, which is neutral and non-polar, at codon 410 of the RASA1 protein (p.Met410Val). This variant is not present in population databases (gnomAD no frequency). This variant has not been reported in the literature in individuals affected with RASA1-related conditions. ClinVar contains an entry for this variant (Variation ID: 1754775). An algorithm developed to predict the effect of missense changes on protein structure and function (PolyPhen-2) suggests that this variant is likely to be tolerated. In summary, the available evidence is currently insufficient to determine the role of this variant in disease. Therefore, it has been classified as a Variant of Uncertain Significance.

Ambry Genetics
Classification: Uncertain significance for Cardiovascular phenotype. Last evaluated: 2022-10-30. Review status: criteria provided, single submitter. Criteria: Ambry Variant Classification Scheme 2023. Collection method: clinical testing. Allele origin: germline.
Comment: The p.M410V variant (also known as c.1228A>G), located in coding exon 8 of the RASA1 gene, results from an A to G substitution at nucleotide position 1228. The methionine at codon 410 is replaced by valine, an amino acid with highly similar properties. This amino acid position is conserved. In addition, the in silico prediction for this alteration is inconclusive. Since supporting evidence is limited at this time, the clinical significance of this alteration remains unclear.

NM_002890.3(RASA1):c.1228A>G (p.Met410Val)

Genes: CCNH (cyclin H; minus strand), RASA1 (RAS p21 protein activator 1; plus strand). Cytogenetic location: 5q14.3.
Variant type: single nucleotide variant.
Coding change: c.1228A>G on transcript NM_002890.3 (MANE Select); coding-DNA position 1228, A replaced by G.
Protein change: p.Met410Val; replaces methionine 410 with valine.
Molecular consequence: missense variant. On other transcripts: intron variant (1).
Genome position (GRCh38, 1-based): chr5:87,349,339, A>G. VCF-style: chr5-87349339-A-G. GRCh37 (hg19) VCF-style: chr5-86645156-A-G.
Other names: c.697A>G, p.Met233Val (NM_022650.3); c.934-36544T>C (NM_001364075.2); short protein forms M410V, M233V.
Identifiers: ClinVar variation 1754775 (VCV001754775.4), dbSNP rs2531256395, ClinGen allele CA360364112.
Genomic context (GRCh38, chr5:87,349,339, plus strand): 5'-TTCCGGACCAATGAAAATATTCAGCGATTTAAAATATGTCCAACGCCAAACAATCAGTTT[A>G]TGATGGGAGGCCGGTATTATAACAGGTAAATCATAATTTTTTAGCTATCTTTTACTTTTC-3'
Protein context (NP_002881.1, residues 400-420): KICPTPNNQF[Met410Val]MGGRYYNSIG